The following is an entry in ClinVar:

NM_021224.6(ZNF462):c.3160C>G (p.Pro1054Ala)

Gene: ZNF462 (zinc finger protein 462; plus strand). Cytogenetic location: 9q31.2.
Variant type: single nucleotide variant.
Coding change: c.3160C>G on transcript NM_021224.6 (MANE Select); coding-DNA position 3160, C replaced by G.
Protein change: p.Pro1054Ala; replaces proline 1054 with alanine.
Molecular consequence: missense variant.
Genome position (GRCh38, 1-based): chr9:106,927,072, C>G. VCF-style: chr9-106927072-C-G. GRCh37 (hg19) VCF-style: chr9-109689353-C-G.
Other names: c.3160C>G, p.Pro1054Ala (NM_001347997.2); short protein forms P1054A.
Identifiers: ClinVar variation 2671782 (VCV002671782.1), dbSNP rs2538769162, ClinGen allele CA374399922.

ClinVar aggregate classification (germline): Uncertain significance (1 of 4 stars; one submission).

Conditions:
Weiss-Kruszka syndrome. Also called: Metopic ridging-ptosis-facial dysmorphism syndrome. Identifiers: Orphanet 502430, MedGen C5568107, MONDO:0032836, OMIM 618619.

Submission:

Neuberg Centre For Genomic Medicine, NCGM
Classification: Uncertain significance for Weiss-Kruszka syndrome. Last evaluated: 2023-02-14. Review status: criteria provided, single submitter. Criteria: ACMG Guidelines, 2015. Collection method: clinical testing. Allele origin: germline. Inheritance: Autosomal dominant inheritance. Affected: yes.
Comment: The missense c.3160C>G (p.Pro1054Ala) variant in ZNF462 gene has not been reported previously as a pathogenic variant nor as a benign variant, to our knowledge. The p.Pro1054Ala variant is novel (not in any individuals) in gnomAD Exomes and 1000 Genomes. This variant has not been reported to the ClinVar database. The amino acid change p.Pro1054Ala in ZNF462 is predicted as conserved by GERP++ and PhyloP across 100 vertebrates. The amino acid Pro at position 1054 is changed to a Ala changing protein sequence and it might alter its composition and physico-chemical properties. For these reasons, this variant has been classified as Variant of Uncertain Significance (VUS).